The following is an entry in ClinVar:

NM_001144967.3(NEDD4L):c.28T>A (p.Tyr10Asn)

Genes: NEDD4L (NEDD4 like E3 ubiquitin protein ligase; plus strand), LOC130062568 (ATAC-STARR-seq lymphoblastoid silent region 9483; plus strand). Cytogenetic location: 18q21.31.
Variant type: single nucleotide variant.
Coding change: c.28T>A on transcript NM_001144967.3 (MANE Select); coding-DNA position 28, T replaced by A.
Protein change: p.Tyr10Asn; replaces tyrosine 10 with asparagine.
Molecular consequence: missense variant.
Genome position (GRCh38, 1-based): chr18:58,044,688, T>A. VCF-style: chr18-58044688-T-A. GRCh37 (hg19) VCF-style: chr18-55711920-T-A.
Other names: c.28T>A, p.Tyr10Asn (NM_001243960.2, NM_015277.6); short protein forms Y10N.
Identifiers: ClinVar variation 3670754 (VCV003670754.2).

ClinVar aggregate classification (germline): Uncertain significance (1 of 4 stars; one submission).

gnomAD v4.1: 5 of 1,609,012 alleles (0.00031%); highest among the groups gnomAD compares: South Asian, 0.0011%; no homozygotes.

Submission:

Labcorp Genetics (formerly Invitae), Labcorp
Classification: Uncertain significance. Last evaluated: 2025-01-05. Review status: criteria provided, single submitter. Criteria: Invitae Variant Classification Sherloc (09022015). Collection method: clinical testing. Allele origin: germline.
Comment: This sequence change replaces tyrosine, which is neutral and polar, with asparagine, which is neutral and polar, at codon 10 of the NEDD4L protein (p.Tyr10Asn). This variant is present in population databases (no rsID available, gnomAD 0.0009%). This variant has not been reported in the literature in individuals affected with NEDD4L-related conditions. An algorithm developed to predict the effect of missense changes on protein structure and function (PolyPhen-2) suggests that this variant is likely to be tolerated. In summary, the available evidence is currently insufficient to determine the role of this variant in disease. Therefore, it has been classified as a Variant of Uncertain Significance.